The following is an entry in ClinVar:

NM_003982.4(SLC7A7):c.1122C>A (p.Cys374Ter)

Gene: SLC7A7 (solute carrier family 7 member 7; minus strand). Cytogenetic location: 14q11.2.
Variant type: single nucleotide variant.
Coding change: c.1122C>A on transcript NM_003982.4 (MANE Select); coding-DNA position 1122, C replaced by A.
Protein change: p.Cys374Ter; replaces cysteine 374 with a stop codon.
Molecular consequence: nonsense.
Genome position (GRCh38, 1-based): chr14:22,774,477, G>T on the plus strand (C>A on the coding strand, the complement: SLC7A7 is on the minus strand). VCF-style: chr14-22774477-G-T. GRCh37 (hg19) VCF-style: chr14-23243686-G-T.
Other names: c.1122C>A, p.Cys374Ter (NM_001126105.3, NM_001126106.4); short protein forms C374*.
Identifiers: ClinVar variation 561110 (VCV000561110.10), dbSNP rs771254387, ClinGen allele CA388922659.

ClinVar aggregate classification (germline): Pathogenic. Review status: criteria provided, multiple submitters, no conflicts (2 of 4 stars). 4 submissions from 4 submitters: Pathogenic (4). Last evaluated 2026-01-05.

Conditions:
Lysinuric protein intolerance (LPI). Identifiers: Orphanet 470, MedGen C0268647, MONDO:0009109, OMIM 222700.

Allele frequency attached by ClinVar (database versions not stated): TOPMed 0.00001.
gnomAD v4.1: 1 of 1,614,088 alleles (0.000062%); highest among the groups gnomAD compares: Admixed American, 0.0017%; no homozygotes.

Submissions (4):

Labcorp Genetics (formerly Invitae), Labcorp
Classification: Pathogenic for Lysinuric protein intolerance. Last evaluated: 2026-01-05. Review status: criteria provided, single submitter. Criteria: Invitae Variant Classification Sherloc (09022015). Collection method: clinical testing. Allele origin: germline.
Comment: This sequence change creates a premature translational stop signal (p.Cys374*) in the SLC7A7 gene. It is expected to result in an absent or disrupted protein product. Loss-of-function variants in SLC7A7 are known to be pathogenic (PMID: 10631139, 17764084). This variant is not present in population databases (gnomAD no frequency). This premature translational stop signal has been observed in individual(s) with lysinuric protein intolerance (PMID: 25419514). ClinVar contains an entry for this variant (Variation ID: 561110). For these reasons, this variant has been classified as Pathogenic.

Natera, Inc.
Classification: Pathogenic for Lysinuric protein intolerance. Last evaluated: 2025-02-13. Review status: criteria provided, single submitter. Criteria: Natera Variant Classification Schema (03/2026). Collection method: clinical testing. Allele origin: germline.
Comment: The c.1122C>A variant in SLC7A7 is a nonsense variant predicted to introduce a stop codon at amino acid 374. This variant is expected to result in nonsense mediated decay, truncation, or a dysfunctional protein product. This variant is rare in the general population with a frequency below the threshold expected for the associated phenotype(s). This variant has been observed in one or more individuals affected with the associated recessive disease, as either homozygous or compound heterozygous with a second variant (PMID: 25419514). Given the available evidence, this variant is classified as Pathogenic.

Fulgent Genetics
Classification: Pathogenic for Lysinuric protein intolerance. Last evaluated: 2024-04-18. Review status: criteria provided, single submitter. Criteria: ACMG Guidelines, 2015. Collection method: clinical testing. Allele origin: germline.

Women's Health and Genetics/Laboratory Corporation of America, LabCorp
Classification: Pathogenic for Lysinuric protein intolerance. Last evaluated: 2023-12-15. Review status: criteria provided, single submitter. Criteria: LabCorp Variant Classification Summary - May 2015. Collection method: clinical testing. Allele origin: germline.
Comment: Variant summary: SLC7A7 c.1122C>A (p.Cys374X) results in a premature termination codon, predicted to cause a truncation of the encoded protein or absence of the protein due to nonsense mediated decay, which are commonly known mechanisms for disease. The variant was absent in 251376 control chromosomes. c.1122C>A has been reported in the literature in at least one individual affected with Lysinuric Protein Intolerance (Posey_2014). These data do not allow any conclusion about variant significance. To our knowledge, no experimental evidence demonstrating an impact on protein function has been reported. The following publication have been ascertained in the context of this evaluation (PMID: 25419514). Two submitters have cited clinical-significance assessments for this variant to ClinVar after 2014. All submitters classified the variant as pathogenic/likely pathogenic. Based on the evidence outlined above, the variant was classified as pathogenic.

Literature cited by the submitters: PubMed 10631139 (cited by Labcorp Genetics (formerly Invitae), Labcorp); PubMed 17764084 (cited by Labcorp Genetics (formerly Invitae), Labcorp); PubMed 25419514 (cited by 3 submitters).